The following is an entry in ClinVar:

ClinVar aggregate classification (germline): Uncertain significance (1 of 4 stars; one submission).

Submission:

GeneDx
Classification: Uncertain significance. Last evaluated: 2024-06-25. Review status: criteria provided, single submitter. Criteria: GeneDx Variant Classification Process June 2021. Collection method: clinical testing. Allele origin: germline. Affected: yes.
Comment: Has not been previously published as pathogenic or benign to our knowledge; Not observed at significant frequency in large population cohorts (gnomAD); Frameshift variant predicted to result in protein truncation or nonsense mediated decay in a gene or region of a gene for which loss of function is not a well-established mechanism of disease

NM_004612.4(TGFBR1):c.1164_1176delinsCG (p.Asn389fs)

Gene: TGFBR1 (transforming growth factor beta receptor 1; plus strand). Cytogenetic location: 9q22.33.
Variant type: Indel.
Coding change: c.1164_1176delinsCG on transcript NM_004612.4 (MANE Select); coding-DNA positions 1164 to 1176, AAATATGAAACAT replaced by CG.
Protein change: p.Asn389fs; shifts the reading frame from asparagine 389.
Molecular consequence: frameshift variant. On other transcripts: non-coding transcript variant (1).
Genome position (GRCh38, 1-based): chr9:99,146,518-99,146,530, AAATATGAAACAT replaced by CG. VCF-style: chr9-99146518-AAATATGAAACAT-CG. GRCh37 (hg19) VCF-style: chr9-101908800-AAATATGAAACAT-CG.
Other names: c.933_945delinsCG, p.Asn312fs (NM_001130916.3, NM_001407435.1); c.1176_1188delinsCG, p.Asn393fs (NM_001306210.2); c.1008_1020delinsCG, p.Asn337fs (NM_001407416.1); c.996_1008delinsCG, p.Asn333fs (NM_001407417.1); c.969_981delinsCG, p.Asn324fs (NM_001407418.1, NM_001407419.1, NM_001407420.1 and 1 more transcripts); c.957_969delinsCG, p.Asn320fs (NM_001407423.1, NM_001407424.1, NM_001407425.1 and 8 more transcripts); c.918_930delinsCG, p.Asn307fs (NM_001407436.1); c.456_468delinsCG, p.Asn153fs (NM_001407437.1); and 1 more; short protein forms N153fs, N230fs, N307fs, N312fs, N320fs, N324fs, N333fs, N337fs.
Identifiers: ClinVar variation 3392714 (VCV003392714.1).